The following is an entry in ClinVar:

NM_005732.4(RAD50):c.3907A>G (p.Ser1303Gly)

Genes: RAD50 (RAD50 double strand break repair protein; plus strand), TH2LCRR (T helper type 2 locus control region associated RNA; minus strand). Cytogenetic location: 5q31.1.
Variant type: single nucleotide variant.
Coding change: c.3907A>G on transcript NM_005732.4 (MANE Select); coding-DNA position 3907, A replaced by G.
Protein change: p.Ser1303Gly; replaces serine 1303 with glycine.
Molecular consequence: missense variant.
Genome position (GRCh38, 1-based): chr5:132,642,332, A>G. VCF-style: chr5-132642332-A-G. GRCh37 (hg19) VCF-style: chr5-131978024-A-G.
Other names: short protein forms S1303G.
Identifiers: ClinVar variation 231372 (VCV000231372.13), dbSNP rs876659120, ClinGen allele CA10578622.
Genomic context (GRCh38, chr5:132,642,332, plus strand): 5'-GTGGAGAAATTCTACAGGATTAAAAAGAACATCGATCAGTGCTCAGAGATTGTGAAATGC[A>G]GTGTTAGCTCCCTGGGATTCAATGTTCATTAAAAATATCCAAGATTTAAATGCCATAGAA-3'
Protein context (NP_005723.2, residues 1293-1312): IDQCSEIVKC[Ser1303Gly]VSSLGFNVH

ClinVar aggregate classification (germline): Uncertain significance. Review status: criteria provided, multiple submitters, no conflicts (2 of 4 stars). 4 submissions from 4 submitters: Uncertain significance (3). 1 of the submissions does not count toward it. Last evaluated 2024-02-19.

Conditions:
Hereditary cancer-predisposing syndrome. Also called: Hereditary Cancer Syndrome; Tumor predisposition; Neoplastic Syndromes, Hereditary; Hereditary neoplastic syndrome. Identifiers: Orphanet 140162, MedGen C0027672, MeSH D009386, MONDO:0015356.
Premature menopause. Identifiers: MedGen C0025322, MONDO:0001119.

Allele frequency attached by ClinVar (database versions not stated): gnomAD exomes below 0.00001.
gnomAD v4.1: 2 of 1,614,058 alleles (0.00012%); highest among the groups gnomAD compares: Middle Eastern, 0.016%; no homozygotes.

Submissions (4):

Ambry Genetics
Classification: Uncertain significance for Hereditary cancer-predisposing syndrome. Last evaluated: 2024-02-19. Review status: criteria provided, single submitter. Criteria: Ambry Variant Classification Scheme 2023. Collection method: clinical testing. Allele origin: germline.
Comment: The p.S1303G variant (also known as c.3907A>G), located in coding exon 25 of the RAD50 gene, results from an A to G substitution at nucleotide position 3907. The serine at codon 1303 is replaced by glycine, an amino acid with similar properties. This amino acid position is not well conserved in available vertebrate species. In addition, this alteration is predicted to be tolerated by in silico analysis. Since supporting evidence is limited at this time, the clinical significance of this alteration remains unclear.

Quest Diagnostics Nichols Institute San Juan Capistrano
Classification: Uncertain significance. Last evaluated: 2023-04-20. Review status: criteria provided, single submitter. Criteria: Quest Diagnostics criteria. Collection method: clinical testing. Allele origin: unknown.
Comment: The frequency of this variant in the general population, 0.000004 (1/251236 chromosomes), is uninformative in assessment of its pathogenicity. Analysis of this variant using bioinformatics tools for the prediction of the effect of amino acid changes on protein structure and function yielded predictions that this variant is benign. Based on the available information, we are unable to determine the clinical significance of this variant.

Labcorp Genetics (formerly Invitae), Labcorp
Classification: Uncertain significance for Hereditary cancer-predisposing syndrome. Last evaluated: 2022-01-17. Review status: criteria provided, single submitter. Criteria: Invitae Variant Classification Sherloc (09022015). Collection method: clinical testing. Allele origin: germline.
Comment: In summary, the available evidence is currently insufficient to determine the role of this variant in disease. Therefore, it has been classified as a Variant of Uncertain Significance. Algorithms developed to predict the effect of missense changes on protein structure and function (SIFT, PolyPhen-2, Align-GVGD) all suggest that this variant is likely to be tolerated. ClinVar contains an entry for this variant (Variation ID: 231372). This variant has not been reported in the literature in individuals affected with RAD50-related conditions. This variant is present in population databases (no rsID available, gnomAD 0.0009%). This sequence change replaces serine, which is neutral and polar, with glycine, which is neutral and non-polar, at codon 1303 of the RAD50 protein (p.Ser1303Gly).

Reproductive Development, Murdoch Childrens Research Institute
Classification: Uncertain significance for Premature ovarian insufficiency. Last evaluated: 2018-01-12. Review status: no assertion criteria provided. Criteria: ACMG Guidelines, 2015. Collection method: research. Allele origin: germline. Affected: yes. Not counted in ClinVar's aggregate classification.

Literature cited by the submitters: PubMed 30924587 (cited by Quest Diagnostics Nichols Institute San Juan Capistrano).